The following is an entry in ClinVar:

ClinVar aggregate classification (germline): Uncertain significance. Review status: criteria provided, multiple submitters, no conflicts (2 of 4 stars). 2 submissions from 2 submitters: Uncertain significance (2). Last evaluated 2025-08-15.

Conditions:
Hereditary cancer-predisposing syndrome. Also called: Tumor predisposition; Hereditary Cancer Syndrome; Hereditary neoplastic syndrome; Neoplastic Syndromes, Hereditary. Identifiers: Orphanet 140162, MedGen C0027672, MeSH D009386, MONDO:0015356.
Renal cell carcinoma. Identifiers: Orphanet 217071, MedGen C0007134, MeSH D002292, MONDO:0005086, HP:0005584.

Allele frequency attached by ClinVar (database versions not stated): TOPMed below 0.00001; gnomAD 0.00001.
gnomAD v4.1: 4 of 1,613,776 alleles (0.00025%); highest among the groups gnomAD compares: East Asian, 0.0045%; no homozygotes.

Submissions (2):

Labcorp Genetics (formerly Invitae), Labcorp
Classification: Uncertain significance for Renal cell carcinoma. Last evaluated: 2025-08-15. Review status: criteria provided, single submitter. Criteria: Invitae Variant Classification Sherloc (09022015). Collection method: clinical testing. Allele origin: germline.
Comment: This sequence change replaces proline, which is neutral and non-polar, with alanine, which is neutral and non-polar, at codon 861 of the MET protein (p.Pro861Ala). This variant is not present in population databases (gnomAD no frequency). This variant has not been reported in the literature in individuals affected with MET-related conditions. ClinVar contains an entry for this variant (Variation ID: 411880). Invitae Evidence Modeling of protein sequence and biophysical properties (such as structural, functional, and spatial information, amino acid conservation, physicochemical variation, residue mobility, and thermodynamic stability) indicates that this missense variant is not expected to disrupt MET protein function with a negative predictive value of 80%. In summary, the available evidence is currently insufficient to determine the role of this variant in disease. Therefore, it has been classified as a Variant of Uncertain Significance.

Ambry Genetics
Classification: Uncertain significance for Hereditary cancer-predisposing syndrome. Last evaluated: 2022-04-19. Review status: criteria provided, single submitter. Criteria: Ambry Variant Classification Scheme 2023. Collection method: clinical testing. Allele origin: germline.
Comment: The p.P861A variant (also known as c.2581C>G), located in coding exon 10 of the MET gene, results from a C to G substitution at nucleotide position 2581. The proline at codon 861 is replaced by alanine, an amino acid with highly similar properties. This amino acid position is conserved. In addition, this alteration is predicted to be tolerated by in silico analysis. Since supporting evidence is limited at this time, the clinical significance of this alteration remains unclear.

NM_000245.4(MET):c.2527C>G (p.Pro843Ala)

Gene: MET (MET proto-oncogene, receptor tyrosine kinase; plus strand). Cytogenetic location: 7q31.2.
Variant type: single nucleotide variant.
Coding change: c.2527C>G on transcript NM_000245.4 (MANE Select); coding-DNA position 2527, C replaced by G.
Protein change: p.Pro843Ala; replaces proline 843 with alanine.
Molecular consequence: missense variant.
Genome position (GRCh38, 1-based): chr7:116,763,212, C>G. VCF-style: chr7-116763212-C-G. GRCh37 (hg19) VCF-style: chr7-116403266-C-G.
Other names: c.2581C>G, p.Pro861Ala (NM_001127500.3); c.2527C>G, p.Pro843Ala (NM_001324401.3); c.1237C>G, p.Pro413Ala (NM_001324402.2); short protein forms P861A, P843A, P413A.
Identifiers: ClinVar variation 411880 (VCV000411880.13), dbSNP rs905891313, ClinGen allele CA16612159.